The following is an entry in ClinVar:

NM_012431.3(SEMA3E):c.1741G>T (p.Ala581Ser)

Gene: SEMA3E (semaphorin 3E; minus strand). Cytogenetic location: 7q21.11.
Variant type: single nucleotide variant.
Coding change: c.1741G>T on transcript NM_012431.3 (MANE Select); coding-DNA position 1741, G replaced by T.
Protein change: p.Ala581Ser; replaces alanine 581 with serine.
Molecular consequence: missense variant.
Genome position (GRCh38, 1-based): chr7:83,385,428, C>A on the plus strand (G>T on the coding strand, the complement: SEMA3E is on the minus strand). VCF-style: chr7-83385428-C-A. GRCh37 (hg19) VCF-style: chr7-83014744-C-A.
Other names: c.1561G>T, p.Ala521Ser (NM_001178129.2); short protein forms A521S, A581S.
Identifiers: ClinVar variation 1315938 (VCV001315938.2), dbSNP rs143701381, ClinGen allele CA367921950.
Genomic context (GRCh38, chr7:83,385,428, plus strand): 5'-CCAGCAAAGTACTGTTGTTCTCTATGCCATAAGCCAGATGTTCTTCAGTCTTATCCAAAG[C>A]ATCCCCTACAACAGGAACATTAATGCCATCTTTGAGACTTAGATTTTATAGGTAAATAAA-3'
Protein context (NP_036563.1, residues 571-591): QCFGQQFVGD[Ala581Ser]LDKTEEHLAY

ClinVar aggregate classification (germline): Uncertain significance (1 of 4 stars; one submission).

Submission:

GeneDx
Classification: Uncertain significance. Last evaluated: 2019-11-27. Review status: criteria provided, single submitter. Criteria: GeneDx Variant Classification Process June 2021. Collection method: clinical testing. Allele origin: germline. Affected: yes.
Comment: Not observed in large population cohorts (Lek et al., 2016); In silico analysis, which includes protein predictors and evolutionary conservation, supports that this variant does not alter protein structure/function; Has not been previously published as pathogenic or benign to our knowledge